The following is an entry in ClinVar:

ClinVar aggregate classification (germline): Benign. Review status: criteria provided, multiple submitters, no conflicts (2 of 4 stars). 3 submissions from 3 submitters: Benign (2). 1 of the submissions does not count toward it. Last evaluated 2025-12-25.

Conditions:
FYCO1-related disorder. Also called: FYCO1-related condition.
Cataract 18 (CATC2). Also called: CATARACT 18, AUTOSOMAL RECESSIVE. Identifiers: Orphanet 91492, Orphanet 98991, Orphanet 98992, Orphanet 98995, MedGen C1864908, MONDO:0012395, OMIM 610019.

Allele frequency attached by ClinVar (database versions not stated): gnomAD 0.00002 and 0.00046; ESP Exome Variant Server 0.00008; TOPMed 0.00011; gnomAD exomes 0.00068 and 0.00141; ExAC 0.00155; 1000 Genomes Project 30x 0.00359; 1000 Genomes Project 0.00379.
gnomAD v4.1: 1,072 of 1,614,168 alleles (0.066%); highest among the groups gnomAD compares: South Asian, 1.1%; 16 homozygotes.

Submissions (3):

Labcorp Genetics (formerly Invitae), Labcorp
Classification: Benign for Cataract 18. Last evaluated: 2025-12-25. Review status: criteria provided, single submitter. Criteria: Invitae Variant Classification Sherloc (09022015). Collection method: clinical testing. Allele origin: germline.

Illumina Laboratory Services, Illumina
Classification: Benign for Cataract 18. Last evaluated: 2018-01-13. Review status: criteria provided, single submitter. Criteria: ICSL Variant Classification Criteria 13 December 2019. Collection method: clinical testing. Allele origin: germline.
Comment: This variant was observed in the ICSL laboratory as part of a predisposition screen in an ostensibly healthy population. It had not been previously curated by ICSL or reported in the Human Gene Mutation Database (HGMD: prior to June 1st, 2018), and was therefore a candidate for classification through an automated scoring system. Utilizing variant allele frequency, disease prevalence and penetrance estimates, and inheritance mode, an automated score was calculated to assess if this variant is too frequent to cause the disease. Based on the score and internal cut-off values, a variant classified as benign is not then subjected to further curation. The score for this variant resulted in a classification of benign for this disease.

PreventionGenetics, part of Exact Sciences
Classification: Likely benign for FYCO1-related condition. Last evaluated: 2019-06-21. Review status: no assertion criteria provided. Collection method: clinical testing. Allele origin: germline. Not counted in ClinVar's aggregate classification.
Comment: This variant is classified as likely benign based on ACMG/AMP sequence variant interpretation guidelines (Richards et al. 2015 PMID: 25741868, with internal and published modifications).

NM_024513.4(FYCO1):c.3705C>A (p.Gly1235=)

Gene: FYCO1 (FYVE and coiled-coil domain autophagy adaptor 1; minus strand). Cytogenetic location: 3p21.31.
Variant type: single nucleotide variant.
Coding change: c.3705C>A on transcript NM_024513.4 (MANE Select); coding-DNA position 3705, C replaced by A.
Protein change: p.Gly1235=; no amino-acid change (glycine 1235 retained).
Molecular consequence: synonymous variant.
Genome position (GRCh38, 1-based): chr3:45,958,502, G>T on the plus strand (C>A on the coding strand, the complement: FYCO1 is on the minus strand). VCF-style: chr3-45958502-G-T. GRCh37 (hg19) VCF-style: chr3-45999994-G-T.
Identifiers: ClinVar variation 261733 (VCV000261733.15), dbSNP rs367690473, ClinGen allele CA2352708.